The following is an entry in ClinVar:

ClinVar aggregate classification (germline): Uncertain significance (1 of 4 stars; one submission).

Allele frequency attached by ClinVar (database versions not stated): gnomAD exomes below 0.00001; ExAC 0.00001; gnomAD 0.00001.

Submission:

Labcorp Genetics (formerly Invitae), Labcorp
Classification: Uncertain significance. Last evaluated: 2021-09-01. Review status: criteria provided, single submitter. Criteria: Invitae Variant Classification Sherloc (09022015). Collection method: clinical testing. Allele origin: germline.
Comment: This sequence change falls in intron 4 of the SPEG gene. It does not directly change the encoded amino acid sequence of the SPEG protein. This variant is present in population databases (rs772893756, ExAC 0.002%). This variant has not been reported in the literature in individuals affected with SPEG-related conditions. Algorithms developed to predict the effect of sequence changes on RNA splicing suggest that this variant may disrupt the consensus splice site. In summary, the available evidence is currently insufficient to determine the role of this variant in disease. Therefore, it has been classified as a Variant of Uncertain Significance.

NM_005876.5(SPEG):c.2114-5G>A

Gene: SPEG (striated muscle enriched protein kinase; plus strand). Cytogenetic location: 2q35.
Variant type: single nucleotide variant.
Coding change: c.2114-5G>A on transcript NM_005876.5 (MANE Select); 5 bases into the intron before coding-DNA position 2114, G replaced by A.
Molecular consequence: intron variant.
Genome position (GRCh38, 1-based): chr2:219,451,131, G>A. VCF-style: chr2-219451131-G-A. GRCh37 (hg19) VCF-style: chr2-220315853-G-A.
Identifiers: ClinVar variation 1484691 (VCV001484691.5), dbSNP rs772893756, ClinGen allele CA2125752.
Genomic context (GRCh38, chr2:219,451,131, plus strand): 5'-CTCTCTCCCGCTGTCATCCCTGCAGGGATCATGGCCCCTTACCCCGTTATTCCTGTGTCC[G>A]GCAGAGTCTTCGGATGACTCCTACGTGTCCGCTGGAGAAGAGCCCCTAGAGGCCCCTGTG-3'